The following is an entry in ClinVar:

ClinVar aggregate classification (germline): Benign/Likely benign. Review status: criteria provided, multiple submitters, no conflicts (2 of 4 stars). 3 submissions from 3 submitters: Benign (1); Likely benign (2). Last evaluated 2025-06-04.

Conditions:
Tuberous sclerosis 2 (TSC2). Identifiers: Orphanet 805, MedGen C1860707, MONDO:0013199, OMIM 613254.
Hereditary cancer-predisposing syndrome. Also called: Neoplastic Syndromes, Hereditary; Tumor predisposition; Hereditary Cancer Syndrome; Hereditary neoplastic syndrome. Identifiers: Orphanet 140162, MedGen C0027672, MeSH D009386, MONDO:0015356.

Submissions (3):

Myriad Genetics, Inc.
Classification: Benign for Tuberous sclerosis 2. Last evaluated: 2025-06-04. Review status: criteria provided, single submitter. Criteria: Myriad Autosomal Dominant, Autosomal Recessive and X-Linked Classification Criteria (2023). Collection method: clinical testing. Allele origin: unknown.
Comment: This variant is considered benign. This variant is a silent/synonymous amino acid change and it is not expected to impact splicing.

Ambry Genetics
Classification: Likely benign for Hereditary cancer-predisposing syndrome. Last evaluated: 2023-04-04. Review status: criteria provided, single submitter. Criteria: Ambry Variant Classification Scheme 2023. Collection method: clinical testing. Allele origin: germline.

Labcorp Genetics (formerly Invitae), Labcorp
Classification: Likely benign for Tuberous sclerosis 2. Last evaluated: 2022-11-03. Review status: criteria provided, single submitter. Criteria: Invitae Variant Classification Sherloc (09022015). Collection method: clinical testing. Allele origin: germline.

NM_000548.5(TSC2):c.4686G>A (p.Leu1562=)

Gene: TSC2 (TSC complex subunit 2; plus strand). Cytogenetic location: 16p13.3.
Variant type: single nucleotide variant.
Coding change: c.4686G>A on transcript NM_000548.5 (MANE Select); coding-DNA position 4686, G replaced by A.
Protein change: p.Leu1562=; no amino-acid change (leucine 1562 retained).
Molecular consequence: synonymous variant. On other transcripts: non-coding transcript variant (5).
Genome position (GRCh38, 1-based): chr16:2,086,216, G>A. VCF-style: chr16-2086216-G-A. GRCh37 (hg19) VCF-style: chr16-2136217-G-A.
Other names: c.4485G>A, p.Leu1495= (NM_001077183.3); c.4617G>A, p.Leu1539= (NM_001114382.3); c.4377G>A, p.Leu1459= (NM_001318827.2); c.4341G>A, p.Leu1447= (NM_001318829.2); c.3954G>A, p.Leu1318= (NM_001318831.2); c.4518G>A, p.Leu1506= (NM_001318832.2); c.4488G>A, p.Leu1496= (NM_001363528.2); c.4554G>A, p.Leu1518= (NM_001370404.1); and 26 more.
Identifiers: ClinVar variation 1742416 (VCV001742416.7), dbSNP rs780703883, ClinGen allele CA493043513.